The following is an entry in ClinVar:

ClinVar aggregate classification (germline): Likely benign. Review status: criteria provided, multiple submitters, no conflicts (2 of 4 stars). 3 submissions from 3 submitters: Likely benign (3). Last evaluated 2026-03-01.

Conditions:
KBG syndrome (KBGS). Also called: ANKRD11-Related KBG Syndrome. Identifiers: Orphanet 2332, MedGen C0220687, MONDO:0007846, OMIM 148050.

Allele frequency attached by ClinVar (database versions not stated): TOPMed 0.00008.
gnomAD v4.1: 246 of 1,613,974 alleles (0.015%); highest among the groups gnomAD compares: Non-Finnish European, 0.019%; no homozygotes.

Submissions (3):

CeGaT Center for Human Genetics Tuebingen
Classification: Likely benign. Last evaluated: 2026-03-01. Review status: criteria provided, single submitter. Criteria: CeGaT Center For Human Genetics Tuebingen Variant Classification Criteria Version 2. Collection method: clinical testing. Allele origin: germline. Affected: yes. Observed: 2 variant alleles.
Comment: ANKRD11: BS2

Labcorp Genetics (formerly Invitae), Labcorp
Classification: Likely benign for KBG syndrome. Last evaluated: 2025-12-09. Review status: criteria provided, single submitter. Criteria: Invitae Variant Classification Sherloc (09022015). Collection method: clinical testing. Allele origin: germline.

Blueprint Genetics
Classification: Likely benign. Last evaluated: 2024-02-09. Review status: criteria provided, single submitter. Criteria: ACMG Guidelines, 2015. Collection method: clinical testing. Allele origin: germline.

NM_013275.6(ANKRD11):c.744+10C>T

Gene: ANKRD11 (ankyrin repeat domain 11; minus strand). Cytogenetic location: 16q24.3.
Variant type: single nucleotide variant.
Coding change: c.744+10C>T on transcript NM_013275.6 (MANE Select); 10 bases into the intron after coding-DNA position 744, C replaced by T.
Molecular consequence: intron variant.
Genome position (GRCh38, 1-based): chr16:89,288,518, G>A on the plus strand (C>T on the coding strand, the complement: ANKRD11 is on the minus strand). VCF-style: chr16-89288518-G-A. GRCh37 (hg19) VCF-style: chr16-89354926-G-A.
Other names: c.744+10C>T (NM_001256183.2, NM_001256182.2).
Identifiers: ClinVar variation 1298684 (VCV001298684.41), dbSNP rs776548701, ClinGen allele CA8242999.
Genomic context (GRCh38, chr16:89,288,518, plus strand): 5'-GGAAACAAAGCTACAGAACCACCCAGATGCCAGGACAGGCCGGATGTGTGAAGAACGGGG[G>A]GATGCCAACCTTGTAGTGCCCGTTGTTGGCAGCGTCGTGCAAAGGCGTGTCGTCATCTAG-3'